The following is an entry in ClinVar:

NM_183050.4(BCKDHB):c.662_663del (p.Ala221fs)

Gene: BCKDHB (branched chain keto acid dehydrogenase E1 subunit beta; plus strand). Cytogenetic location: 6q14.1.
Variant type: Deletion.
Coding change: c.662_663del on transcript NM_183050.4 (MANE Select); coding-DNA positions 662 to 663, 2 bases deleted (CC; older notation c.662_663delCC).
Protein change: p.Ala221fs; shifts the reading frame from alanine 221.
Molecular consequence: frameshift variant. On other transcripts: non-coding transcript variant (1).
Genome position (GRCh38, 1-based): chr6:80,171,310-80,171,311, CC deleted. VCF-style (leftmost placement, unchanged base first): chr6-80171309-GCC-G. GRCh37 (hg19) VCF-style: chr6-80881026-GCC-G.
Other names: c.662_663del, p.Ala221fs (NM_000056.5); c.452_453del, p.Ala151fs (NM_001318975.1); c.662_663del (NM_183050.3); short protein forms A151fs, A221fs.
Identifiers: ClinVar variation 2136445 (VCV002136445.7), dbSNP rs2481919877, ClinGen allele CA2580075915.

ClinVar aggregate classification (germline): Pathogenic. Review status: criteria provided, multiple submitters, no conflicts (2 of 4 stars). 3 submissions from 3 submitters: Pathogenic (3). Last evaluated 2025-02-17.

Conditions:
Maple syrup urine disease (MSUD). Identifiers: Orphanet 511, MedGen C0024776, MeSH D008375, MONDO:0009563. Disease mechanism: loss of function.
Maple syrup urine disease type 1A (MSUD1A). Also called: MSUD type 1A. Identifiers: MedGen C1855369, MONDO:0023691, OMIM 248600.
Maple syrup urine disease type 1B (MSUD1B). Also called: MSUD type IB; MSUD type 3 (formerly); MSUD due to deficiency of e1-beta subunit of branched-chain alpha-keto acid dehydrogenase complex. Identifiers: MedGen C2930990, MONDO:0023692, OMIM 620698.

Submissions (3):

Natera, Inc.
Classification: Pathogenic for Maple syrup urine disease type 1B. Last evaluated: 2025-02-17. Review status: criteria provided, single submitter. Criteria: Natera Variant Classification Schema (03/2026). Collection method: clinical testing. Allele origin: germline.
Comment: The c.662_663del variant in BCKDHB is a frameshift variant predicted to shift the reading frame beginning at codon 221 and leads to a stop codon 11 codons downstream. This variant is expected to result in nonsense mediated decay, truncation, or a dysfunctional protein product. This variant is rare in the general population with a frequency below the threshold expected for the associated phenotype(s). This variant has been observed in one or more individuals affected with the associated recessive disease, as either homozygous or compound heterozygous with a second variant (PMID: 19715473). Given the available evidence, this variant is classified as Pathogenic.

Baylor Genetics
Classification: Pathogenic for Maple syrup urine disease type 1A. Last evaluated: 2024-02-24. Review status: criteria provided, single submitter. Criteria: ACMG Guidelines, 2015. Collection method: clinical testing. Allele origin: unknown.

Labcorp Genetics (formerly Invitae), Labcorp
Classification: Pathogenic for Maple syrup urine disease. Last evaluated: 2023-09-03. Review status: criteria provided, single submitter. Criteria: Invitae Variant Classification Sherloc (09022015). Collection method: clinical testing. Allele origin: germline.
Comment: For these reasons, this variant has been classified as Pathogenic. ClinVar contains an entry for this variant (Variation ID: 2136445). This variant has not been reported in the literature in individuals affected with BCKDHB-related conditions. This variant is not present in population databases (gnomAD no frequency). This sequence change creates a premature translational stop signal (p.Ala221Glufs*11) in the BCKDHB gene. It is expected to result in an absent or disrupted protein product. Loss-of-function variants in BCKDHB are known to be pathogenic (PMID: 16786533, 22593002).

Literature cited by the submitters: PubMed 19715473 (cited by Natera, Inc.); PubMed 16786533 (cited by Labcorp Genetics (formerly Invitae), Labcorp); PubMed 22593002 (cited by Labcorp Genetics (formerly Invitae), Labcorp).